The following is an entry in ClinVar:

NM_022089.4(ATP13A2):c.2972G>A (p.Arg991Gln)

Gene: ATP13A2 (ATPase cation transporting 13A2; minus strand). Cytogenetic location: 1p36.13.
Variant type: single nucleotide variant.
Coding change: c.2972G>A on transcript NM_022089.4 (MANE Select); coding-DNA position 2972, G replaced by A.
Protein change: p.Arg991Gln; replaces arginine 991 with glutamine.
Molecular consequence: missense variant.
Genome position (GRCh38, 1-based): chr1:16,987,157, C>T on the plus strand (G>A on the coding strand, the complement: ATP13A2 is on the minus strand). VCF-style: chr1-16987157-C-T. GRCh37 (hg19) VCF-style: chr1-17313652-C-T.
Other names: c.2957G>A, p.Arg986Gln (NM_001141973.3); c.2840G>A, p.Arg947Gln (NM_001141974.3); short protein forms R991Q, R947Q, R986Q.
Identifiers: ClinVar variation 566669 (VCV000566669.14), dbSNP rs145548316, ClinGen allele CA636655.

ClinVar aggregate classification (germline): Uncertain significance. Review status: criteria provided, multiple submitters, no conflicts (2 of 4 stars). 6 submissions from 6 submitters: Uncertain significance (6). Last evaluated 2025-01-06.

Conditions:
Inborn genetic diseases. Identifiers: MedGen C0950123, MeSH D030342.
Kufor-Rakeb syndrome (KRS). Also called: PARKINSON DISEASE 9, AUTOSOMAL RECESSIVE, JUVENILE-ONSET. Identifiers: Orphanet 306674, Orphanet 314632, MedGen C1847640, MONDO:0011706, OMIM 606693.
Autosomal recessive spastic paraplegia type 78. Identifiers: Orphanet 513436, MedGen C5567893, MONDO:0014975, OMIM 617225.

Allele frequency attached by ClinVar (database versions not stated): gnomAD exomes 0.00006 and 0.00016; ExAC 0.00015; 1000 Genomes Project 0.00040; gnomAD 0.00048 and 0.00050; 1000 Genomes Project 30x 0.00062; TOPMed 0.00074; ESP Exome Variant Server 0.00115.
gnomAD v4.1: 165 of 1,613,164 alleles (0.01%); highest among the groups gnomAD compares: African/African-American, 0.18%; no homozygotes.

Submissions (6):

Labcorp Genetics (formerly Invitae), Labcorp
Classification: Uncertain significance for Kufor-Rakeb syndrome; Autosomal recessive spastic paraplegia type 78. Last evaluated: 2025-01-06. Review status: criteria provided, single submitter. Criteria: Invitae Variant Classification Sherloc (09022015). Collection method: clinical testing. Allele origin: germline.
Comment: This sequence change replaces arginine, which is basic and polar, with glutamine, which is neutral and polar, at codon 991 of the ATP13A2 protein (p.Arg991Gln). This variant is present in population databases (rs145548316, gnomAD 0.2%). This variant has not been reported in the literature in individuals affected with ATP13A2-related conditions. ClinVar contains an entry for this variant (Variation ID: 566669). Invitae Evidence Modeling of protein sequence and biophysical properties (such as structural, functional, and spatial information, amino acid conservation, physicochemical variation, residue mobility, and thermodynamic stability) indicates that this missense variant is not expected to disrupt ATP13A2 protein function with a negative predictive value of 80%. In summary, the available evidence is currently insufficient to determine the role of this variant in disease. Therefore, it has been classified as a Variant of Uncertain Significance.

Blueprint Genetics
Classification: Uncertain significance. Last evaluated: 2024-09-13. Review status: criteria provided, single submitter. Criteria: ACMG Guidelines, 2015. Collection method: clinical testing. Allele origin: germline.

Fulgent Genetics
Classification: Uncertain significance for Kufor-Rakeb syndrome; Autosomal recessive spastic paraplegia type 78. Last evaluated: 2021-09-24. Review status: criteria provided, single submitter. Criteria: ACMG Guidelines, 2015. Collection method: clinical testing. Allele origin: unknown.

GeneDx
Classification: Uncertain significance. Last evaluated: 2019-12-13. Review status: criteria provided, single submitter. Criteria: GeneDx Variant Classification Process June 2021. Collection method: clinical testing. Allele origin: germline. Affected: yes.
Comment: In silico analysis, which includes protein predictors and evolutionary conservation, supports a deleterious effect; Has not been previously published as pathogenic or benign to our knowledge

Ambry Genetics
Classification: Uncertain significance for Inborn genetic diseases. Last evaluated: 2019-01-18. Review status: criteria provided, single submitter. Criteria: Ambry Variant Classification Scheme 2023. Collection method: clinical testing. Allele origin: germline.
Comment: The p.R991Q variant (also known as c.2972G>A), located in coding exon 26 of the ATP13A2 gene, results from a G to A substitution at nucleotide position 2972. The arginine at codon 991 is replaced by glutamine, an amino acid with highly similar properties. This amino acid position is highly conserved in available vertebrate species. In addition, the in silico prediction for this alteration is inconclusive. Since supporting evidence is limited at this time, the clinical significance of this alteration remains unclear.

Center for Genomics, Ann and Robert H. Lurie Children's Hospital of Chicago
Classification: Uncertain significance for Autosomal recessive spastic paraplegia type 78; Kufor-Rakeb syndrome. Review status: criteria provided, single submitter. Criteria: ACMG Guidelines, 2015. Collection method: clinical testing. Allele origin: germline.
Comment: ATP13A2 NM_0022089.3 exon 26 p.Arg991Gln (c.2972G>A): This variant has not been reported in the literature but is present in 0.2% (43/23840) of African alleles in the Genome Aggregation Database. Evolutionary conservation and computational predictive tools for this variant are unclear. In summary, data on this variant is insufficient for disease classification. Therefore, the clinical significance of this variant is uncertain.